The following is an entry in ClinVar:

ClinVar aggregate classification (germline): Uncertain significance (1 of 4 stars; one submission).

Submission:

ISCA site 14
Classification: Uncertain significance. Last evaluated: 2011-08-12. Review status: criteria provided, single submitter. Criteria: Kaminsky et al. (Genet Med. 2011). Collection method: clinical testing. Allele origin: de novo. Affected: yes. Observed: 1 variant allele.
Comment: Copy number variation identified through the course of routine clinical cytogenomic testing in postnatal populations. Clinical assertions have been curated as described in Kaminsky et al. 2011.

GRCh38/hg38 1q21.1(chr1:145601946-146009630)x3

Genes: ANKRD34A (ankyrin repeat domain 34A; minus strand), ANKRD35 (ankyrin repeat domain 35; minus strand), ANKRD35-DT (ANKRD35 divergent transcript; plus strand), CD160 (CD160 molecule; plus strand), GPHRA (golgi pH regulator A; plus strand) and 41 more. Cytogenetic location: 1q21.1.
Variant type: copy number gain.
Change: copy number 3 (three copies instead of two) of chr1:145,601,946-146,009,630 (407.7 kb, GRCh38 coordinates, 1-based), cytogenetic band 1q21.1.
Identifiers: ClinVar variation 160936 (VCV000160936.1).